The following is an entry in ClinVar:

NM_152618.3(BBS12):c.1578G>C (p.Leu526Phe)

Gene: BBS12 (Bardet-Biedl syndrome 12; plus strand). Cytogenetic location: 4q27.
Variant type: single nucleotide variant.
Coding change: c.1578G>C on transcript NM_152618.3 (MANE Select); coding-DNA position 1578, G replaced by C.
Protein change: p.Leu526Phe; replaces leucine 526 with phenylalanine.
Molecular consequence: missense variant.
Genome position (GRCh38, 1-based): chr4:122,743,470, G>C. VCF-style: chr4-122743470-G-C. GRCh37 (hg19) VCF-style: chr4-123664625-G-C.
Other names: c.1578G>C, p.Leu526Phe (NM_001178007.2); short protein forms L526F.
Identifiers: ClinVar variation 4987120 (VCV004987120.1).

ClinVar aggregate classification (germline): Uncertain significance (1 of 4 stars; one submission).

Conditions:
BBS12-related disorder. Also called: BBS12-related condition.

Submission:

PreventionGenetics, part of Exact Sciences
Classification: Uncertain significance for BBS12-related condition. Last evaluated: 2025-05-08. Review status: criteria provided, single submitter. Criteria: ACMG Guidelines, 2015. Collection method: clinical testing. Allele origin: germline.
Comment: The BBS12 c.1578G>C variant is predicted to result in the amino acid substitution p.Leu526Phe. To our knowledge, this variant has not been reported in the literature or in a large population database (gnomAD), indicating this variant is rare. At this time, the clinical significance of this variant is uncertain due to the absence of conclusive functional and genetic evidence.